The following is an entry in ClinVar:

NM_007294.4(BRCA1):c.503A>C (p.Lys168Thr)

Gene: BRCA1 (BRCA1 DNA repair associated; minus strand). Cytogenetic location: 17q21.31.
Variant type: single nucleotide variant.
Coding change: c.503A>C on transcript NM_007294.4 (MANE Select); coding-DNA position 503, A replaced by C.
Protein change: p.Lys168Thr; replaces lysine 168 with threonine.
Molecular consequence: missense variant. On other transcripts: non-coding transcript variant (1).
Genome position (GRCh38, 1-based): chr17:43,099,819, T>G on the plus strand (A>C on the coding strand, the complement: BRCA1 is on the minus strand). VCF-style: chr17-43099819-T-G. GRCh37 (hg19) VCF-style: chr17-41251836-T-G.
Other names: NP_009225.1:p.Lys168Thr; c.503A>C (NM_007300.3); c.290A>C, p.Lys97Thr (NM_001407899.1, NM_001407915.1, NM_001407916.1 and 18 more transcripts); c.293A>C, p.Lys98Thr (NM_001407900.1, NM_001407902.1, NM_001407904.1 and 37 more transcripts); c.503A>C, p.Lys168Thr (NM_001407919.1, NM_001407937.1, NM_001407938.1 and 97 more transcripts); c.362A>C, p.Lys121Thr (NM_001407920.1, NM_001407921.1, NM_001407922.1 and 61 more transcripts); c.359A>C, p.Lys120Thr (NM_001407930.1, NM_001407931.1, NM_001407932.1 and 35 more transcripts); c.500A>C, p.Lys167Thr (NM_001407940.1, NM_001407941.1, NM_001407972.1 and 65 more transcripts); and 6 more; short protein forms K168T, K121T, K141T, K167T, K98T, K123T, K142T, K40T.
Identifiers: ClinVar variation 55359 (VCV000055359.30), dbSNP rs273901743, ClinGen allele CA003167.

ClinVar aggregate classification (germline): Conflicting classifications of pathogenicity. Review status: criteria provided, conflicting classifications (1 of 4 stars). 8 submissions from 8 submitters: Uncertain significance (6); Likely benign (1). 1 of the submissions does not count toward it. Last evaluated 2025-11-27.

Conditions:
Hereditary cancer-predisposing syndrome. Also called: Hereditary Cancer Syndrome; Hereditary neoplastic syndrome; Neoplastic Syndromes, Hereditary; Tumor predisposition. Identifiers: Orphanet 140162, MedGen C0027672, MeSH D009386, MONDO:0015356.
Breast-ovarian cancer, familial, susceptibility to, 1 (BROVCA1). Also called: BRCA1 Hereditary Breast and Ovarian Cancer; OVARIAN CANCER, SUSCEPTIBILITY TO. Identifiers: Orphanet 145, MedGen C2676676, MONDO:0011450, OMIM 604370. Disease mechanism: loss of function.
Hereditary breast ovarian cancer syndrome. Also called: BRCA1- and BRCA2-Associated Hereditary Breast and Ovarian Cancer; Hereditary breast and ovarian cancer syndrome; Hereditary breast and ovarian cancer syndrome (HBOC); Breast and ovarian cancer; Hereditary breast and/or ovarian cancer syndrome; Hereditary breast and ovarian cancer. Identifiers: Orphanet 145, MedGen C0677776, MeSH D061325, MONDO:0003582. Disease mechanism: loss of function.

Allele frequency attached by ClinVar (database versions not stated): gnomAD exomes 0.00001.
gnomAD v4.1: 3 of 1,613,878 alleles (0.00019%); highest among the groups gnomAD compares: African/African-American, 0.004%; no homozygotes.

Submissions (8):

Labcorp Genetics (formerly Invitae), Labcorp
Classification: Uncertain significance for Hereditary breast ovarian cancer syndrome. Last evaluated: 2025-11-27. Review status: criteria provided, single submitter. Criteria: Invitae Variant Classification Sherloc (09022015). Collection method: clinical testing. Allele origin: germline.
Comment: This sequence change replaces lysine, which is basic and polar, with threonine, which is neutral and polar, at codon 168 of the BRCA1 protein (p.Lys168Thr). This variant is not present in population databases (gnomAD no frequency). This variant has not been reported in the literature in individuals affected with BRCA1-related conditions. ClinVar contains an entry for this variant (Variation ID: 55359). Invitae Evidence Modeling of protein sequence and biophysical properties (such as structural, functional, and spatial information, amino acid conservation, physicochemical variation, residue mobility, and thermodynamic stability) indicates that this missense variant is not expected to disrupt BRCA1 protein function with a negative predictive value of 80%. In summary, the available evidence is currently insufficient to determine the role of this variant in disease. Therefore, it has been classified as a Variant of Uncertain Significance.

KCCC/NGS Laboratory, Kuwait Cancer Control Center
Classification: Uncertain significance for Breast-ovarian cancer, familial, susceptibility to, 1. Last evaluated: 2025-02-06. Review status: criteria provided, single submitter. Criteria: ACMG Guidelines, 2015. Collection method: clinical testing. Allele origin: germline. Inheritance: Autosomal dominant inheritance. Affected: yes. Observed: 1 heterozygote.
Comment: This sequence change replaces lysine, which is basic and polar, with threonine, which is neutral and polar, at codon 168 of the BRCA1 protein (p.Lys168Thr).This amino acid position is not well conserved. This variant has not been reported in the literature in individuals affected with BRCA1-related conditions. This variant is not present in population databases (gnomAD no frequency). ClinVar contains an entry for this variant (Variation ID: 55359). In addition, the in silico prediction for this alteration is inconclusive. . In summary, the available evidence is currently insufficient to determine the role of this variant in disease. Therefore, it has been classified as a Variant of Uncertain Significance. Pathogenic/Likely pathogenic BRCA1 variants cause hereditary breast/ovarian cancer syndrome (HBOC).

GeneDx
Classification: Uncertain significance. Last evaluated: 2024-09-03. Review status: criteria provided, single submitter. Criteria: GeneDx Variant Classification Process June 2021. Collection method: clinical testing. Allele origin: germline. Affected: yes.
Comment: Observed in a patient with breast cancer (PMID: 24729269); Published functional studies demonstrate no damaging effect: homology-directed repair activity comparable to wild-type (PMID: 30219179); In silico analysis supports that this missense variant has a deleterious effect on protein structure/function; Not observed at significant frequency in large population cohorts (gnomAD); Also known as 622A>C; This variant is associated with the following publications: (PMID: 35464868, 20215511, 25556971, 24729269, 25823446, 30219179)

Myriad Genetics, Inc.
Classification: Likely benign for Breast-ovarian cancer, familial, susceptibility to, 1. Last evaluated: 2024-06-20. Review status: criteria provided, single submitter. Criteria: Myriad Autosomal Dominant, Autosomal Recessive and X-Linked Classification Criteria (2023). Collection method: clinical testing. Allele origin: unknown.
Comment: This variant is considered likely benign. This variant is strongly associated with less severe personal and family histories of cancer, typical for individuals without pathogenic variants in this gene [PMID: 25085752].

Ambry Genetics
Classification: Uncertain significance for Hereditary cancer-predisposing syndrome. Last evaluated: 2023-10-24. Review status: criteria provided, single submitter. Criteria: Ambry Variant Classification Scheme 2023. Collection method: clinical testing. Allele origin: germline.
Comment: The p.K168T variant (also known as c.503A>C), located in coding exon 6 of the BRCA1 gene, results from an A to C substitution at nucleotide position 503. The lysine at codon 168 is replaced by threonine, an amino acid with similar properties. This alteration was identified in an individual diagnosed with breast cancer (Biunno I et al. Fam Cancer, 2014 Sep;13:437-44). This amino acid position is not well conserved in available vertebrate species. In addition, the in silico prediction for this alteration is inconclusive. Since supporting evidence is limited at this time, the clinical significance of this alteration remains unclear.

Color Diagnostics, LLC DBA Color Health
Classification: Uncertain significance for Hereditary cancer-predisposing syndrome. Last evaluated: 2023-08-03. Review status: criteria provided, single submitter. Criteria: ACMG Guidelines, 2015. Collection method: clinical testing. Allele origin: germline.
Comment: This missense variant replaces lysine with threonine at codon 168 of the BRCA1 protein. Computational prediction suggests that this variant may have deleterious impact on protein structure and function (internally defined REVEL score threshold >= 0.7, PMID: 27666373). A functional study has reported that this variant does not impact BRCA1 function in a cultured cell homology-directed repair assay (PMID: 30219179). This variant has been reported in individuals with a personal or family history of breast or ovarian cancer (PMID: 24729269, 25556971). This variant has not been identified in the general population by the Genome Aggregation Database (gnomAD). The available evidence is insufficient to determine the role of this variant in disease conclusively. Therefore, this variant is classified as a Variant of Uncertain Significance.

National Health Laboratory Service, Universitas Academic Hospital and University of the Free State
Classification: Uncertain significance for Hereditary breast ovarian cancer syndrome. Last evaluated: 2022-04-19. Review status: criteria provided, single submitter. Criteria: ACMG Guidelines, 2015. Collection method: clinical testing. Allele origin: germline. Affected: yes. Observed: 6 variant alleles.

Breast Cancer Information Core (BIC) (BRCA1)
Classification: Uncertain significance for Breast-ovarian cancer, familial 1. Last evaluated: 2005-11-29. Review status: no assertion criteria provided. Collection method: clinical testing. Allele origin: germline. Affected: yes. Observed: 1 variant allele. Not counted in ClinVar's aggregate classification.

Literature cited by the submitters: PubMed 25085752 (cited by Myriad Genetics, Inc.); PubMed 24729269 (cited by Ambry Genetics and Color Diagnostics, LLC DBA Color Health); PubMed 25556971 (cited by Color Diagnostics, LLC DBA Color Health); PubMed 30219179 (cited by Color Diagnostics, LLC DBA Color Health); DOI 10.3389/fgene.2022.834265 (cited by National Health Laboratory Service, Universitas Academic Hospital and University of the Free State).